The following is an entry in ClinVar:

ClinVar aggregate classification (germline): Likely pathogenic (1 of 4 stars; one submission).

Conditions:
Zinc deficiency, transient neonatal (TNZD). Also called: ZINC DEFICIENCY, NEONATAL, DUE TO LOW BREAST MILK ZINC. Identifiers: MedGen C1842486, MONDO:0011973, OMIM 608118.

Submission:

Victorian Clinical Genetics Services, Murdoch Childrens Research Institute
Classification: Likely pathogenic for Zinc deficiency, transient neonatal. Last evaluated: 2020-05-25. Review status: criteria provided, single submitter. Criteria: ACMG Guidelines, 2015. Collection method: clinical testing. Allele origin: germline. Inheritance: Autosomal dominant inheritance. Affected: no.
Comment: Based on the classification scheme VCGS_Germline_v1.1.1, this variant is classified as Likely pathogenic. Following criteria are met: 0102 - Loss-of-function is a known mechanism of disease for this gene. (N) 0104 - Dominant Negative is a mechanism of disease for this gene. (N) 0107 - This gene is known to be associated with autosomal dominant disease. (N) 0201 - Variant is predicted to cause nonsense-mediated decay (NMD) and loss of protein (exon 4 of 8). (P) 0251 - Variant is heterozygous. (N) 0301 - Variant is absent from gnomAD. (P) 0703 - Comparable variants have moderate previous evidence for pathogenicity. Three NMD-predicted variants have been reported in 3 mothers of infants with transient neonatal zinc deficiency (PMIDs: 28665435, 24456035). (P) 0807 - Variant has not previously been reported in a clinical context. (N) 0905 - No segregation evidence has been identified for this variant. (N) 1007 - No published functional evidence has been identified for this variant. (N) 1208 - Inheritance information for this variant is not currently available. (N) Legend: (P) - Pathogenic, (N) - Neutral, (B) - Benign

Literature cited by the submitters: PubMed 24456035; PubMed 28665435.

NM_001004434.3(SLC30A2):c.528del (p.Thr177fs)

Gene: SLC30A2 (solute carrier family 30 member 2; minus strand). Cytogenetic location: 1p36.11.
Variant type: Deletion.
Coding change: c.528del on transcript NM_001004434.3 (MANE Select); coding-DNA position 528, one base deleted (G; older notation c.528delG).
Protein change: p.Thr177fs; shifts the reading frame from threonine 177.
Molecular consequence: frameshift variant.
Genome position (GRCh38, 1-based): chr1:26,043,442, C deleted on the plus strand (G on the coding strand, the reverse complement: SLC30A2 is on the minus strand); the first of 6 consecutive C bases (chr1:26,043,442-26,043,447); deleting any one gives the same sequence. VCF-style (leftmost placement, unchanged base first): chr1-26043441-TC-T. GRCh37 (hg19) VCF-style: chr1-26369932-TC-T.
Other names: c.381del, p.Thr128fs (NM_032513.5); short protein forms T128fs, T177fs.
Identifiers: ClinVar variation 1806288 (VCV001806288.1), dbSNP rs2522690335, ClinGen allele CA923726129.